The following is an entry in ClinVar:

ClinVar aggregate classification (germline): Pathogenic. Review status: criteria provided, multiple submitters, no conflicts (2 of 4 stars). 4 submissions from 4 submitters: Pathogenic (4). Last evaluated 2024-02-12.

Conditions:
Rare genetic deafness. Identifiers: Orphanet 96210, MedGen C5680250.
Autosomal dominant nonsyndromic hearing loss 17. Also called: Autosomal dominant nonsyndromic deafness 17; Deafness, autosomal dominant 17. Identifiers: Orphanet 90635, MedGen C1863659, MONDO:0011350, OMIM 603622.
Macrothrombocytopenia and granulocyte inclusions with or without nephritis or sensorineural hearing loss (MATINS). Also called: MAY-HEGGLIN ANOMALY; SEBASTIAN PLATELET SYNDROME; MACROTHROMBOCYTOPENIA WITH DISPERSED LEUKOCYTIC INCLUSIONS; MACROTHROMBOCYTOPENIA, NEPHRITIS, AND DEAFNESS; MACROTHROMBOCYTOPENIA, NEPHRITIS, DEAFNESS, AND LEUKOCYTE INCLUSIONS; ALPORT SYNDROME WITH MACROTHROMBOCYTOPENIA. Identifiers: Orphanet 182050, MedGen C5200934, MONDO:0015912, OMIM 155100.

Submissions (4):

Mayo Clinic Laboratories, Mayo Clinic
Classification: Pathogenic. Last evaluated: 2024-02-12. Review status: criteria provided, single submitter. Criteria: ACMG Guidelines, 2015. Collection method: clinical testing. Allele origin: germline. Observed: 1 variant allele.
Comment: PP1_strong, PP2, PM2_moderate, PS1, PS4_moderate

Fulgent Genetics
Classification: Pathogenic for Macrothrombocytopenia and granulocyte inclusions with or without nephritis or sensorineural hearing loss; Autosomal dominant nonsyndromic hearing loss 17. Last evaluated: 2022-05-19. Review status: criteria provided, single submitter. Criteria: ACMG Guidelines, 2015. Collection method: clinical testing. Allele origin: unknown.

Labcorp Genetics (formerly Invitae), Labcorp
Classification: Pathogenic. Last evaluated: 2021-05-10. Review status: criteria provided, single submitter. Criteria: Invitae Variant Classification Sherloc (09022015). Collection method: clinical testing. Allele origin: germline.
Comment: For these reasons, this variant has been classified as Pathogenic. Algorithms developed to predict the effect of missense changes on protein structure and function are either unavailable or do not agree on the potential impact of this missense change (SIFT: "Tolerated"; PolyPhen-2: "Possibly Damaging"; Align-GVGD: "Class C0"). This variant has been observed in individual(s) with MYH9-related disorders (PMID: 16818291, 24643058). It has also been observed to segregate with disease in related individuals. ClinVar contains an entry for this variant (Variation ID: 164432). This variant is not present in population databases (ExAC no frequency). This sequence change replaces valine with leucine at codon 1516 of the MYH9 protein (p.Val1516Leu). The valine residue is moderately conserved and there is a small physicochemical difference between valine and leucine.

Laboratory for Molecular Medicine, Mass General Brigham Personalized Medicine
Classification: Pathogenic for Rare genetic deafness. Last evaluated: 2017-03-09. Review status: criteria provided, single submitter. Criteria: LMM Criteria. Collection method: clinical testing. Allele origin: germline. Inheritance: Autosomal dominant inheritance. Observed: 3 variant alleles.
Comment: The p.Val1516Leu variant has been identified in two Chinese individuals with MYH 9 related disease (MYH9-RD), and segregated in 6 affected relatives across the t wo families (Ma 2006, LMM data). This variant has not been reported in large pop ulation studies. The same missense variant resulting from a different DNA change (c.4546G>C, p.Val1516Leu) has also been reported in an individual with MYH9-RD and segregated in 8 affected family members (Zhang 2014). Furthermore, another missense variant at the same amino acid position (p.Val1516Met) has also been id entified in one family with features of MYH9-RD (Pecci 2010, Pecci 2013). In sum mary, this variant meets criteria to be classified as pathogenic for autosomal d ominant MYH9-RD based on the evidence described above.

Literature cited by the submitters: PubMed 16818291 (cited by 3 submitters); PubMed 17655694 (cited by Mayo Clinic Laboratories, Mayo Clinic); PubMed 19408192 (cited by Mayo Clinic Laboratories, Mayo Clinic); PubMed 22477015 (cited by Mayo Clinic Laboratories, Mayo Clinic); PubMed 24643058 (cited by 3 submitters); PubMed 30720677 (cited by Mayo Clinic Laboratories, Mayo Clinic); PubMed 20002731 (cited by Laboratory for Molecular Medicine, Mass General Brigham Personalized Medicine); PubMed 24186861 (cited by Laboratory for Molecular Medicine, Mass General Brigham Personalized Medicine).

NM_002473.6(MYH9):c.4546G>T (p.Val1516Leu)

Gene: MYH9 (myosin heavy chain 9; minus strand). Cytogenetic location: 22q12.3.
Variant type: single nucleotide variant.
Coding change: c.4546G>T on transcript NM_002473.6 (MANE Select); coding-DNA position 4546, G replaced by T.
Protein change: p.Val1516Leu; replaces valine 1516 with leucine.
Molecular consequence: missense variant.
Genome position (GRCh38, 1-based): chr22:36,289,096, C>A on the plus strand (G>T on the coding strand, the complement: MYH9 is on the minus strand). VCF-style: chr22-36289096-C-A. GRCh37 (hg19) VCF-style: chr22-36685142-C-A.
Other names: c.4546G>T (NM_002473.5); short protein forms V1516L.
Identifiers: ClinVar variation 164432 (VCV000164432.14), dbSNP rs727503284, ClinGen allele CA273196.